The following is an entry in ClinVar:

NM_001127222.2(CACNA1A):c.5531G>A (p.Gly1844Asp)

Gene: CACNA1A (calcium voltage-gated channel subunit alpha1 A; minus strand). Cytogenetic location: 19p13.13.
Variant type: single nucleotide variant.
Coding change: c.5531G>A on transcript NM_001127222.2 (MANE Select); coding-DNA position 5531, G replaced by A.
Protein change: p.Gly1844Asp; replaces glycine 1844 with aspartic acid.
Molecular consequence: missense variant. On other transcripts: intron variant (1).
Genome position (GRCh38, 1-based): chr19:13,227,525, C>T on the plus strand (G>A on the coding strand, the complement: CACNA1A is on the minus strand). VCF-style: chr19-13227525-C-T. GRCh37 (hg19) VCF-style: chr19-13338339-C-T.
Other names: c.5549G>A, p.Gly1850Asp (NM_000068.4, NM_023035.3); c.5540G>A, p.Gly1847Asp (NM_001174080.2); c.5628+1174G>A (NM_001127221.2); short protein forms G1844D, G1847D, G1850D.
Identifiers: ClinVar variation 3254655 (VCV003254655.1), dbSNP rs2512603336.
Genomic context (GRCh38, chr19:13,227,525, plus strand): 5'-AGACCCAGGGGCGGAGACATGTGTCTCAGCATCTGATACATGTCCAGGTAAGGCATGCGG[C>T]CCCTGGCAGCACCGAAAATGAAAAAAACAAAAACAAAAACAAAAAAACAAAACGGGAATG-3'
Protein context (NP_001120694.1, residues 1834-1854): VWAEYDPAAW[Gly1844Asp]RMPYLDMYQM

ClinVar aggregate classification (germline): Likely pathogenic (1 of 4 stars; one submission).

Conditions:
Developmental and epileptic encephalopathy, 42 (DEE42A). Also called: DEVELOPMENTAL AND EPILEPTIC ENCEPHALOPATHY 42A; EPILEPTIC ENCEPHALOPATHY, EARLY INFANTILE, 42A; Epileptic encephalopathy, early infantile, 42. Identifiers: MedGen C4310716, MONDO:0014917, OMIM 617106.

Submission:

Victorian Clinical Genetics Services, Murdoch Childrens Research Institute
Classification: Likely pathogenic for Developmental and epileptic encephalopathy, 42. Last evaluated: 2023-07-17. Review status: criteria provided, single submitter. Criteria: ACMG Guidelines, 2015. Collection method: clinical testing. Allele origin: germline. Inheritance: Autosomal dominant inheritance. Affected: yes.
Comment: Based on the classification scheme VCGS_Germline_v1.3.4, this variant is classified as Likely Pathogenic. Following criteria are met: 0103 - Loss of function and gain of function are known mechanisms of disease in this gene and are associated with CACNA1A-related disease. Episodic ataxia, type 2 (MIM#108500) is caused by variants with a loss of function mechanism (PMID: 28566750). (I) 0107 - This gene is associated with autosomal dominant disease. (I) 0112 - The condition associated with this gene has incomplete penetrance. Reduced penetrance has been reported for patients with episodic ataxia, type 2 (OMIM). (I) 0115 - Variants in this gene are known to have variable expressivity. Two families with episodic ataxia, intellectual disability and/or epilepsy have been reported with intrafamilial variability (PMID: 32910250, PMID: 30142438). (I) 0200 - Variant is predicted to result in a missense amino acid change from glycine to aspartic acid. (I) 0219 - This variant is non-coding in an alternative transcript. This variant is coding in the ClinVar predominant transcript, and is found within exon 37b. It is non-coding in another transcript, which has many pathogenic variants contained within its alternative exon, 37a (PMID: 18606230, UCSC). (I) 0251 - This variant is heterozygous. (I) 0301 - Variant is absent from gnomAD (both v2 and v3). (SP) 0501 - Missense variant consistently predicted to be damaging by multiple in silico tools or highly conserved with a major amino acid change. (SP) 0600 - Variant is located in the annotated GPHH domain (DECIPHER). (I) 0710 - Another missense variant comparable to the one identified in this case has inconclusive previous evidence for pathogenicity. This variant (p.(Gly1844Ser)) has been reported as a VUS (ClinVar). (I) 0807 - This variant has no previous evidence of pathogenicity. (I) 0905 - No published segregation evidence has been identified for this variant. (I) 1007 - No published functional evidence has been identified for this variant. (SP) Legend: (SP) - Supporting pathogenic, (I) - Information, (SB) - Supporting benign

Literature cited by the submitters: PubMed 18606230; PubMed 25735478; PubMed 28566750; PubMed 32910250; PubMed 30142438.